The following is an entry in ClinVar:

NM_001035.3(RYR2):c.7022A>G (p.Asn2341Ser)

Gene: RYR2 (ryanodine receptor 2; plus strand). Cytogenetic location: 1q43.
Variant type: single nucleotide variant.
Coding change: c.7022A>G on transcript NM_001035.3 (MANE Select); coding-DNA position 7022, A replaced by G.
Protein change: p.Asn2341Ser; replaces asparagine 2341 with serine.
Molecular consequence: missense variant.
Genome position (GRCh38, 1-based): chr1:237,639,108, A>G. VCF-style: chr1-237639108-A-G. GRCh37 (hg19) VCF-style: chr1-237802408-A-G.
Other names: short protein forms N2341S.
Identifiers: ClinVar variation 944158 (VCV000944158.11), dbSNP rs1681180500, ClinGen allele CA345395921.
Genomic context (GRCh38, chr1:237,639,108, plus strand): 5'-TGAGATTGCTCATTCGGAGGCCTGAGTGTTTTGGTCCTGCTTTGAGAGGAGAAGGTGGGA[A>G]TGGGCTTCTTGCAGCAATGGAAGAAGCCATCAAAATCGCCGAGGATCCTTCCCGAGATGG-3'
Protein context (NP_001026.2, residues 2331-2351): FGPALRGEGG[Asn2341Ser]GLLAAMEEAI

ClinVar aggregate classification (germline): Uncertain significance (1 of 4 stars; one submission).

Conditions:
Catecholaminergic polymorphic ventricular tachycardia 1. Also called: VENTRICULAR TACHYCARDIA, CATECHOLAMINERGIC POLYMORPHIC, 1, WITH OR WITHOUT ATRIAL DYSFUNCTION AND/OR DILATED CARDIOMYOPATHY; VENTRICULAR TACHYCARDIA, STRESS-INDUCED POLYMORPHIC 1; RYR2-Related Catecholaminergic Polymorphic Ventricular Tachycardia. Identifiers: Orphanet 3286, MedGen C1631597, MONDO:0011484, OMIM 604772.

Allele frequency attached by ClinVar (database versions not stated): gnomAD exomes below 0.00001.

Submission:

Labcorp Genetics (formerly Invitae), Labcorp
Classification: Uncertain significance for Catecholaminergic polymorphic ventricular tachycardia 1. Last evaluated: 2025-02-05. Review status: criteria provided, single submitter. Criteria: Invitae Variant Classification Sherloc (09022015). Collection method: clinical testing. Allele origin: germline.
Comment: This sequence change replaces asparagine, which is neutral and polar, with serine, which is neutral and polar, at codon 2341 of the RYR2 protein (p.Asn2341Ser). This variant is not present in population databases (gnomAD no frequency). This variant has not been reported in the literature in individuals affected with RYR2-related conditions. ClinVar contains an entry for this variant (Variation ID: 944158). Invitae Evidence Modeling of protein sequence and biophysical properties (such as structural, functional, and spatial information, amino acid conservation, physicochemical variation, residue mobility, and thermodynamic stability) indicates that this missense variant is not expected to disrupt RYR2 protein function with a negative predictive value of 95%. In summary, the available evidence is currently insufficient to determine the role of this variant in disease. Therefore, it has been classified as a Variant of Uncertain Significance.